The following is an entry in ClinVar:

ClinVar aggregate classification (germline): Likely benign. Review status: criteria provided, multiple submitters, no conflicts (2 of 4 stars). 4 submissions from 4 submitters: Likely benign (4). Last evaluated 2025-10-01.

Conditions:
Familial thoracic aortic aneurysm and aortic dissection (TAAD). Also called: Thoracic aortic aneurysms and dissections. Identifiers: Orphanet 91387, MedGen C4707243, MONDO:0019625.
Ehlers-Danlos syndrome, type 4 (EDSVASC). Also called: Ehlers-Danlos Syndrome Type IV; Ehlers-Danlos syndrome vascular type; Ehlers Danlos syndrome, ecchymotic type; Ehlers Danlos syndrome, arterial type; Ehlers Danlos syndrome, Sack-Barabas type. Identifiers: Orphanet 286, MedGen C0268338, MONDO:0017314, OMIM 130050.

Allele frequency attached by ClinVar (database versions not stated): gnomAD exomes 0.00001; gnomAD 0.00002 and 0.00003; TOPMed 0.00003.

Submissions (4):

Women's Health and Genetics/Laboratory Corporation of America, LabCorp
Classification: Likely benign. Last evaluated: 2025-10-01. Review status: criteria provided, single submitter. Criteria: LabCorp Variant Classification Summary - May 2015. Collection method: clinical testing. Allele origin: germline.

Labcorp Genetics (formerly Invitae), Labcorp
Classification: Likely benign for Ehlers-Danlos syndrome, type 4. Last evaluated: 2025-06-29. Review status: criteria provided, single submitter. Criteria: Invitae Variant Classification Sherloc (09022015). Collection method: clinical testing. Allele origin: germline.

All of Us Research Program, National Institutes of Health
Classification: Likely benign for Ehlers-Danlos syndrome, type 4. Last evaluated: 2023-10-02. Review status: criteria provided, single submitter. Criteria: ACMG Guidelines, 2015. Collection method: clinical testing. Allele origin: germline. Inheritance: Autosomal dominant inheritance. Observed: 2 variant alleles, 2 heterozygotes.
Comment: This study involves interpretation of variants in research participants for the purpose of population health screening. Participant phenotype was not available at the time of variant classification. Additional details can be found in publication PMID: 35346344, PMCID: PMC8962531

Color Diagnostics, LLC DBA Color Health
Classification: Likely benign for Familial thoracic aortic aneurysm and aortic dissection. Last evaluated: 2019-06-01. Review status: criteria provided, single submitter. Criteria: ACMG Guidelines, 2015. Collection method: clinical testing. Allele origin: germline.

NM_000090.4(COL3A1):c.2608-10C>T

Gene: COL3A1 (collagen type III alpha 1 chain; plus strand). Cytogenetic location: 2q32.2.
Variant type: single nucleotide variant.
Coding change: c.2608-10C>T on transcript NM_000090.4 (MANE Select); 10 bases into the intron before coding-DNA position 2608, C replaced by T.
Molecular consequence: intron variant.
Genome position (GRCh38, 1-based): chr2:189,003,724, C>T. VCF-style: chr2-189003724-C-T. GRCh37 (hg19) VCF-style: chr2-189868450-C-T.
Identifiers: ClinVar variation 790977 (VCV000790977.15), dbSNP rs1217009146, ClinGen allele CA538467627.
Genomic context (GRCh38, chr2:189,003,724, plus strand): 5'-TATACTTTTTGTTTGTTGTACAGTTATTTGTTCTACTTTTGAAATTCAAAAATATATTAC[C>T]ATTTCACAGGGTGCTGCTGGCTTCCCTGGTGCTCGTGGTCTTCCTGGTCCTCCTGGTAGT-3'